The following is an entry in ClinVar:

NM_058216.3(RAD51C):c.1009G>T (p.Val337Leu)

Gene: RAD51C (RAD51 paralog C; plus strand). Cytogenetic location: 17q22.
Variant type: single nucleotide variant.
Coding change: c.1009G>T on transcript NM_058216.3 (MANE Select); coding-DNA position 1009, G replaced by T.
Protein change: p.Val337Leu; replaces valine 337 with leucine.
Molecular consequence: missense variant. On other transcripts: non-coding transcript variant (1).
Genome position (GRCh38, 1-based): chr17:58,732,527, G>T. VCF-style: chr17-58732527-G-T. GRCh37 (hg19) VCF-style: chr17-56809888-G-T.
Other names: c.1009G>T (NM_058216.1); short protein forms V337L.
Identifiers: ClinVar variation 1098917 (VCV001098917.7), dbSNP rs2049473367, ClinGen allele CA400365100.

ClinVar aggregate classification (germline): Conflicting classifications of pathogenicity. Review status: criteria provided, conflicting classifications (1 of 4 stars). 3 submissions from 3 submitters: Uncertain significance (2); Likely benign (1). Last evaluated 2024-08-02.

Conditions:
Hereditary cancer-predisposing syndrome. Also called: Neoplastic Syndromes, Hereditary; Hereditary neoplastic syndrome; Hereditary Cancer Syndrome; Tumor predisposition. Identifiers: Orphanet 140162, MedGen C0027672, MeSH D009386, MONDO:0015356.
Breast-ovarian cancer, familial, susceptibility to, 3. Also called: RAD51C-Related Breast/Ovarian Cancer. Identifiers: Orphanet 145, MedGen C3150659, MONDO:0013253, OMIM 613399.
Fanconi anemia complementation group O. Also called: RAD51C-Related Fanconi Anemia. Identifiers: Orphanet 84, MedGen C3150653, MONDO:0013248, OMIM 613390.

Submissions (3):

Ambry Genetics
Classification: Likely benign for Hereditary cancer-predisposing syndrome. Last evaluated: 2024-08-02. Review status: criteria provided, single submitter. Criteria: Ambry Variant Classification Scheme 2023. Collection method: clinical testing. Allele origin: germline.

Labcorp Genetics (formerly Invitae), Labcorp
Classification: Uncertain significance for Fanconi anemia complementation group O. Last evaluated: 2022-07-25. Review status: criteria provided, single submitter. Criteria: Invitae Variant Classification Sherloc (09022015). Collection method: clinical testing. Allele origin: germline.
Comment: ClinVar contains an entry for this variant (Variation ID: 1098917). In summary, the available evidence is currently insufficient to determine the role of this variant in disease. Therefore, it has been classified as a Variant of Uncertain Significance. Advanced modeling of protein sequence and biophysical properties (such as structural, functional, and spatial information, amino acid conservation, physicochemical variation, residue mobility, and thermodynamic stability) performed at Invitae indicates that this missense variant is expected to disrupt RAD51C protein function. This missense change has been observed in individual(s) with breast cancer (PMID: 33134171). This variant is not present in population databases (gnomAD no frequency). This sequence change replaces valine, which is neutral and non-polar, with leucine, which is neutral and non-polar, at codon 337 of the RAD51C protein (p.Val337Leu).

Hereditary Cancer Group, L’Institut d'Investigació Biomèdica de Bellvitge
Classification: Uncertain significance for Breast-ovarian cancer, familial, susceptibility to, 3. Last evaluated: 2021-05-10. Review status: criteria provided, single submitter. Criteria: ACMG Guidelines, 2015. Collection method: curation. Allele origin: germline.

Literature cited by the submitters: PubMed 33134171 (cited by Labcorp Genetics (formerly Invitae), Labcorp and Hereditary Cancer Group, L’Institut d'Investigació Biomèdica de Bellvitge).